The following is an entry in ClinVar:

ClinVar aggregate classification (germline): Uncertain significance (1 of 4 stars; one submission).

Conditions:
Osteogenesis imperfecta type I (OI1). Also called: Lobstein's Disease; Osteogenesis imperfecta type 1; Lobstein disease; Classic Non-deforming Osteogenesis Imperfecta with Blue Sclerae; OI, TYPE I; OSTEOGENESIS IMPERFECTA TARDA. Identifiers: Orphanet 216796, Orphanet 666, MedGen C0023931, MONDO:0008146, OMIM 166200. Disease mechanism: loss of function.

Allele frequency attached by ClinVar (database versions not stated): gnomAD exomes below 0.00001; TOPMed 0.00002.

Submission:

Labcorp Genetics (formerly Invitae), Labcorp
Classification: Uncertain significance for Osteogenesis imperfecta type I. Last evaluated: 2025-05-13. Review status: criteria provided, single submitter. Criteria: Invitae Variant Classification Sherloc (09022015). Collection method: clinical testing. Allele origin: germline.
Comment: This sequence change replaces alanine, which is neutral and non-polar, with threonine, which is neutral and polar, at codon 235 of the COL1A1 protein (p.Ala235Thr). This variant is not present in population databases (gnomAD no frequency). This variant has not been reported in the literature in individuals affected with COL1A1-related conditions. ClinVar contains an entry for this variant (Variation ID: 1420270). Invitae Evidence Modeling of protein sequence and biophysical properties (such as structural, functional, and spatial information, amino acid conservation, physicochemical variation, residue mobility, and thermodynamic stability) indicates that this missense variant is not expected to disrupt COL1A1 protein function with a negative predictive value of 95%. In summary, the available evidence is currently insufficient to determine the role of this variant in disease. Therefore, it has been classified as a Variant of Uncertain Significance.

NM_000088.4(COL1A1):c.703G>A (p.Ala235Thr)

Genes: COL1A1 (collagen type I alpha 1 chain; minus strand), LOC126862586 (CDK7 strongly-dependent group 2 enhancer GRCh37_chr17:48273702-48274901; plus strand). Cytogenetic location: 17q21.33.
Variant type: single nucleotide variant.
Coding change: c.703G>A on transcript NM_000088.4 (MANE Select); coding-DNA position 703, G replaced by A.
Protein change: p.Ala235Thr; replaces alanine 235 with threonine.
Molecular consequence: missense variant.
Genome position (GRCh38, 1-based): chr17:50,197,227, C>T on the plus strand (G>A on the coding strand, the complement: COL1A1 is on the minus strand). VCF-style: chr17-50197227-C-T. GRCh37 (hg19) VCF-style: chr17-48274588-C-T.
Other names: short protein forms A235T.
Identifiers: ClinVar variation 1420270 (VCV001420270.6), dbSNP rs1907674004, ClinGen allele CA400224312.
Genomic context (GRCh38, chr17:50,197,227, plus strand): 5'-GCCCCCTGCTCACCTGAGGCCCAGGAGGCCCACGCTCACCAGGACGACCAGGTTTTCCAG[C>T]TTCCCCCTGAGAGGGAGAGAAAAGACCATCATGCCTCTGCCTCCCCACCACCGCCTAGGG-3'
Protein context (NP_000079.2, residues 225-245): PPGKNGDDGE[Ala235Thr]GKPGRPGERG